The following is an entry in ClinVar:

NM_001378454.1(ALMS1):c.11434A>C (p.Ile3812Leu)

Gene: ALMS1 (ALMS1 centrosome and basal body associated protein; plus strand). Cytogenetic location: 2p13.1.
Variant type: single nucleotide variant.
Coding change: c.11434A>C on transcript NM_001378454.1 (MANE Select); coding-DNA position 11434, A replaced by C.
Protein change: p.Ile3812Leu; replaces isoleucine 3812 with leucine.
Molecular consequence: missense variant.
Genome position (GRCh38, 1-based): chr2:73,573,311, A>C. VCF-style: chr2-73573311-A-C. GRCh37 (hg19) VCF-style: chr2-73800438-A-C.
Other names: c.11437A>C, p.Ile3813Leu (NM_015120.4); short protein forms I3813L, I3812L.
Identifiers: ClinVar variation 1731741 (VCV001731741.7), dbSNP rs2104108144, ClinGen allele CA347289879.

ClinVar aggregate classification (germline): Uncertain significance. Review status: criteria provided, multiple submitters, no conflicts (2 of 4 stars). 2 submissions from 2 submitters: Uncertain significance (2). Last evaluated 2023-11-27.

Conditions:
Cardiovascular phenotype. Identifiers: MedGen CN230736.
Alstrom syndrome (ALMS). Identifiers: Orphanet 64, MedGen C0268425, MONDO:0008763, OMIM 203800.

Allele frequency attached by ClinVar (database versions not stated): gnomAD exomes below 0.00001.
gnomAD v4.1: 1 of 1,614,142 alleles (0.000062%); highest among the groups gnomAD compares: Non-Finnish European, 0.000085%; no homozygotes.

Submissions (2):

Labcorp Genetics (formerly Invitae), Labcorp
Classification: Uncertain significance for Alstrom syndrome. Last evaluated: 2023-11-27. Review status: criteria provided, single submitter. Criteria: Invitae Variant Classification Sherloc (09022015). Collection method: clinical testing. Allele origin: germline.
Comment: This sequence change replaces isoleucine, which is neutral and non-polar, with leucine, which is neutral and non-polar, at codon 3813 of the ALMS1 protein (p.Ile3813Leu). This variant is not present in population databases (gnomAD no frequency). This variant has not been reported in the literature in individuals affected with ALMS1-related conditions. ClinVar contains an entry for this variant (Variation ID: 1731741). Experimental studies and prediction algorithms are not available or were not evaluated, and the functional significance of this variant is currently unknown. In summary, the available evidence is currently insufficient to determine the role of this variant in disease. Therefore, it has been classified as a Variant of Uncertain Significance.

Ambry Genetics
Classification: Uncertain significance for Cardiovascular phenotype. Last evaluated: 2022-04-12. Review status: criteria provided, single submitter. Criteria: Ambry Variant Classification Scheme 2023. Collection method: clinical testing. Allele origin: germline.
Comment: The p.I3813L variant (also known as c.11437A>C), located in coding exon 16 of the ALMS1 gene, results from an A to C substitution at nucleotide position 11437. The isoleucine at codon 3813 is replaced by leucine, an amino acid with highly similar properties. This amino acid position is not well conserved in available vertebrate species. In addition, this alteration is predicted to be tolerated by in silico analysis. Since supporting evidence is limited at this time, the clinical significance of this alteration remains unclear.